The following is an entry in ClinVar:

ClinVar aggregate classification (germline): Uncertain significance (1 of 4 stars; one submission).

Submission:

Labcorp Genetics (formerly Invitae), Labcorp
Classification: Uncertain significance. Last evaluated: 2019-09-30. Review status: criteria provided, single submitter. Criteria: Invitae Variant Classification Sherloc (09022015). Collection method: clinical testing. Allele origin: germline.
Comment: In summary, the available evidence is currently insufficient to determine the role of this variant in disease. Therefore, it has been classified as a Variant of Uncertain Significance. This variant has not been reported in the literature in individuals with CFAP410-related conditions. This variant results in a copy number gain of the genomic region encompassing exons 2-7 of the CFAP410 gene. The 5' boundary is likely confined to intron 1. The 3' end of this event is unknown as it extends beyond the assayed region for this gene and therefore may encompass additional genes. As the precise location of this event is unknown, it may be in tandem or it may be located elsewhere in the genome.

NC_000021.9:g.(?_44305319)_(44338455_?)dup

Genes: CFAP410 (cilia and flagella associated protein 410; minus strand), PFKL (phosphofructokinase, liver type; plus strand). Cytogenetic location: 21q22.3.
Variant type: Duplication.
Identifiers: ClinVar variation 833347 (VCV000833347.6).